The following is an entry in ClinVar:

ClinVar aggregate classification (germline): Uncertain significance (1 of 4 stars; one submission).

Allele frequency attached by ClinVar (database versions not stated): ExAC 0.00002; gnomAD exomes 0.00002; gnomAD 0.00001.
gnomAD v4.1: 32 of 1,614,038 alleles (0.002%); highest among the groups gnomAD compares: Non-Finnish European, 0.0027%; no homozygotes.

Submission:

GeneDx
Classification: Uncertain significance. Last evaluated: 2019-09-10. Review status: criteria provided, single submitter. Criteria: GeneDx Variant Classification Process June 2021. Collection method: clinical testing. Allele origin: germline. Affected: yes.
Comment: In silico analysis, which includes protein predictors and evolutionary conservation, supports a deleterious effect; Has not been previously published as pathogenic or benign to our knowledge

NM_005422.4(TECTA):c.5108C>T (p.Pro1703Leu)

Genes: TBCEL-TECTA (TBCEL-TECTA readthrough; plus strand), TECTA (tectorin alpha; plus strand). Cytogenetic location: 11q23.3.
Variant type: single nucleotide variant.
Coding change: c.5108C>T on transcript NM_005422.4 (MANE Select); coding-DNA position 5108, C replaced by T.
Protein change: p.Pro1703Leu; replaces proline 1703 with leucine.
Molecular consequence: missense variant.
Genome position (GRCh38, 1-based): chr11:121,162,206, C>T. VCF-style: chr11-121162206-C-T. GRCh37 (hg19) VCF-style: chr11-121032915-C-T.
Other names: c.6050C>T, p.Pro2017Leu (NM_001378761.1); short protein forms P1703L, P2017L.
Identifiers: ClinVar variation 1310927 (VCV001310927.2), dbSNP rs201114773, ClinGen allele CA6327651.